The following is an entry in ClinVar:

NM_000206.3(IL2RG):c.455T>G (p.Val152Gly)

Gene: IL2RG (interleukin 2 receptor subunit gamma; minus strand). Cytogenetic location: Xq13.1.
Variant type: single nucleotide variant.
Coding change: c.455T>G on transcript NM_000206.3 (MANE Select); coding-DNA position 455, T replaced by G.
Protein change: p.Val152Gly; replaces valine 152 with glycine.
Molecular consequence: missense variant.
Genome position (GRCh38, 1-based): chrX:71,110,295, A>C on the plus strand (T>G on the coding strand, the complement: IL2RG is on the minus strand). VCF-style: chrX-71110295-A-C. GRCh37 (hg19) VCF-style: chrX-70330145-A-C.
Other names: NM_000206.3(IL2RG):c.455T>G; p.Val152Gly; short protein forms V152G.
Identifiers: ClinVar variation 624584 (VCV000624584.3), dbSNP rs193922348, ClinGen allele CA413496508.

ClinVar aggregate classification (germline): Likely pathogenic. Review status: reviewed by expert panel (3 of 4 stars). 2 submissions from 2 submitters: Likely pathogenic (1). 1 of the submissions does not count toward it. Last evaluated 2026-02-20.

Conditions:
X-linked severe combined immunodeficiency (SCIDX1). Also called: X-Linked Combined Immunodeficiency Diseases; IMMUNODEFICIENCY 4; SCID, X-LINKED; SEVERE COMBINED IMMUNODEFICIENCY, X-LINKED, T CELL-NEGATIVE, B CELL-POSITIVE, NK CELL-NEGATIVE; T-B+ severe combined immunodeficiency due to gamma chain deficiency. Identifiers: Orphanet 276, MedGen C6022468, MONDO:0010315, OMIM 300400. Disease mechanism: loss of function.

Submissions (2):

ClinGen Severe Combined Immunodeficiency Variant Curation Expert Panel, ClinGen
Classification: Likely pathogenic for X-linked severe combined immunodeficiency. Last evaluated: 2026-02-20. Review status: reviewed by expert panel. Criteria: ClinGen SCID ACMG Specifications IL2RG V2.1.0. Collection method: curation. Allele origin: germline. Inheritance: X-linked inheritance.
Comment: The NM_000206.3:c.455T>G variant in IL2RG is a missense variant predicted to cause substitution of valine by glycine at amino acid 152 (p.Val152Gly). The variant is absent from gnomAD v4.1.0 (PM2_Supporting). The variant has been reported in two patients meeting the PP4 phenotypic criteria (PMIDs 31031743, 36177038) (PS4_Supporting). One patient was diagnosed with SCID (PMID 36177038). The patient showed a T-B+NK- lymphocyte profile and an absence of STAT5 phosphorylation upon IL-2 stimulation (other possible variants were not excluded). The lymphopenia was resolved by IL2RG gene therapy (CNV testing not reported) (PP4_Strong). Another missense variant c.455T>C (p.Val152Ala) in the same codon has been classified as pathogenic for SCID by the ClinGen SCID VCEP (PM5). In summary, this variant is classified as likely pathogenic for SCID. ACMG/AMP criteria applied, as specified by the ClinGen SCID-VCEP: PP4_Strong, PM2_Supporting, PM5, PS4_Supporting (VCEP specifications version 2.1).

Laboratory of Pediatric Immunoinfectivology, Tor Vergata University
Classification: Pathogenic for X-linked severe combined immunodeficiency. Last evaluated: 2019-02-28. Review status: no assertion criteria provided. Collection method: clinical testing. Allele origin: germline. Affected: yes. Not counted in ClinVar's aggregate classification.
Comment: SCID (Severe Combined Immunodeficiency) T-, B+, NK+, reduced IgM and IgA

Literature cited by the submitters: DOI 10.3389/fimmu.2019.00316 (cited by Laboratory of Pediatric Immunoinfectivology, Tor Vergata University).